The following is an entry in ClinVar:

NC_000014.9:g.88416189_88416275del

Genes: GALC (galactosylceramidase; minus strand), SPATA7 (spermatogenesis associated 7; plus strand). Cytogenetic location: 14q31.3.
Variant type: Deletion.
Molecular consequence: intron variant (on NM_018418.5).
Genome position: GRCh38: chr14:88,416,189-88,416,275. GRCh37 (hg19): chr14:88,882,533-88,882,619.
Other names: c.239-522_239-436del (NM_018418.5); c.143-522_143-436del (NM_001040428.4).
Identifiers: ClinVar variation 2690936 (VCV002690936.2), dbSNP rs2504189182, ClinGen allele CA2697554087.

ClinVar aggregate classification (germline): Likely pathogenic (1 of 4 stars; one submission).

Conditions:
Galactosylceramide beta-galactosidase deficiency. Also called: Leukodystrophy, Globoid Cell; Krabbe Disease; GALACTOCEREBROSIDASE DEFICIENCY; GALC DEFICIENCY; GLOBOID CELL LEUKOENCEPHALOPATHY. Identifiers: Orphanet 487, MedGen C0023521, MONDO:0009499, OMIM 245200.

Submission:

Foundation for Research in Genetics and Endocrinology, FRIGE's Institute of Human Genetics
Classification: Likely pathogenic for Galactosylceramide beta-galactosidase deficiency. Review status: criteria provided, single submitter. Criteria: ACMG Guidelines, 2015. Collection method: clinical testing. Allele origin: germline. Inheritance: Autosomal recessive inheritance. Affected: yes. Observed: 1 homozygote.
Comment: A homozygous deletion on chromosome 14 (g.?_88416189-88415275del) encompassing exon 12 of the GALC gene was detected. This variant has not been reported in gnomAD database. In summary, the variant has been classified as likely pathogenic.